The following is an entry in ClinVar:

NM_058216.3(RAD51C):c.13A>G (p.Thr5Ala)

Gene: RAD51C (RAD51 paralog C; plus strand). Cytogenetic location: 17q22.
Variant type: single nucleotide variant.
Coding change: c.13A>G on transcript NM_058216.3 (MANE Select); coding-DNA position 13, A replaced by G.
Protein change: p.Thr5Ala; replaces threonine 5 with alanine.
Molecular consequence: missense variant. On other transcripts: non-coding transcript variant (2).
Genome position (GRCh38, 1-based): chr17:58,692,656, A>G. VCF-style: chr17-58692656-A-G. GRCh37 (hg19) VCF-style: chr17-56770017-A-G.
Other names: c.13A>G, p.Thr5Ala (NM_002876.4, NM_058217.1); short protein forms T5A.
Identifiers: ClinVar variation 1716841 (VCV001716841.6), dbSNP rs1314517659, ClinGen allele CA400336151.

ClinVar aggregate classification (germline): Conflicting classifications of pathogenicity. Review status: criteria provided, conflicting classifications (1 of 4 stars). 2 submissions from 2 submitters: Uncertain significance (1); Likely benign (1). Last evaluated 2024-07-22.

Conditions:
Fanconi anemia complementation group O. Also called: RAD51C-Related Fanconi Anemia. Identifiers: Orphanet 84, MedGen C3150653, MONDO:0013248, OMIM 613390.
Hereditary cancer-predisposing syndrome. Also called: Hereditary neoplastic syndrome; Tumor predisposition; Neoplastic Syndromes, Hereditary; Hereditary Cancer Syndrome. Identifiers: Orphanet 140162, MedGen C0027672, MeSH D009386, MONDO:0015356.

gnomAD v4.1: 1 of 1,614,196 alleles (0.000062%); highest among the groups gnomAD compares: Non-Finnish European, 0.000085%; no homozygotes.

Submissions (2):

Ambry Genetics
Classification: Likely benign for Hereditary cancer-predisposing syndrome. Last evaluated: 2024-07-22. Review status: criteria provided, single submitter. Criteria: Ambry Variant Classification Scheme 2023. Collection method: clinical testing. Allele origin: germline.

Labcorp Genetics (formerly Invitae), Labcorp
Classification: Uncertain significance for Fanconi anemia complementation group O. Last evaluated: 2024-06-03. Review status: criteria provided, single submitter. Criteria: Invitae Variant Classification Sherloc (09022015). Collection method: clinical testing. Allele origin: germline.
Comment: This sequence change replaces threonine, which is neutral and polar, with alanine, which is neutral and non-polar, at codon 5 of the RAD51C protein (p.Thr5Ala). This variant is not present in population databases (gnomAD no frequency). This variant has not been reported in the literature in individuals affected with RAD51C-related conditions. ClinVar contains an entry for this variant (Variation ID: 1716841). Algorithms developed to predict the effect of missense changes on protein structure and function output the following: SIFT: "Not Available"; PolyPhen-2: "Benign"; Align-GVGD: "Not Available". The alanine amino acid residue is found in multiple mammalian species, which suggests that this missense change does not adversely affect protein function. In summary, the available evidence is currently insufficient to determine the role of this variant in disease. Therefore, it has been classified as a Variant of Uncertain Significance.